The following is an entry in ClinVar:

ClinVar aggregate classification (germline): Uncertain significance (1 of 4 stars; one submission).

gnomAD v4.1: 18 of 1,013,372 alleles (0.0018%); highest among the groups gnomAD compares: African/African-American, 0.0051%; no homozygotes.

Submission:

GeneDx
Classification: Uncertain significance. Last evaluated: 2026-01-18. Review status: criteria provided, single submitter. Criteria: GeneDx Variant Classification Process June 2021. Collection method: clinical testing. Allele origin: germline.
Comment: Canonical splice site variant in a gene or region of a gene for which loss of function is not a well-established mechanism of disease; Has not been previously published as pathogenic or benign to our knowledge; No data available from control populations to assess the frequency of this variant; Reported using an alternate transcript of the gene; Located in a regulatory region; in the absence of functional studies, the actual effect of this sequence change is unknown

NM_005902.4(SMAD3):c.533-585G>A

Gene: SMAD3 (SMAD family member 3; plus strand). Cytogenetic location: 15q22.33.
Variant type: single nucleotide variant.
Coding change: c.533-585G>A on transcript NM_005902.4 (MANE Select); 585 bases into the intron before coding-DNA position 533, G replaced by A.
Molecular consequence: intron variant. On other transcripts: splice donor variant (1).
Genome position (GRCh38, 1-based): chr15:67,166,194, G>A. VCF-style: chr15-67166194-G-A. GRCh37 (hg19) VCF-style: chr15-67458532-G-A.
Other names: c.533-585G>A (NM_001407011.1, NM_001407013.1); c.401-585G>A (NM_001407012.1, NM_001145103.2); c.386-585G>A (NM_001407014.1); c.218-585G>A (NM_001145102.2, NM_001407016.1); c.86-585G>A (NM_001407015.1); c.-54+1G>A (NM_001145104.2).
Identifiers: ClinVar variation 1699649 (VCV001699649.3), dbSNP rs762320351, ClinGen allele CA618686774.
Genomic context (GRCh38, chr15:67,166,194, plus strand): 5'-GGAGGAGACCCACTGTCCAACCTTCTCAGATCCTTTGCGGGTAGCCCTGGCGTCCCGCGG[G>A]TAAGTCAACTACTCCCTGTTCAAAGAGCAAATCTTGGAGGGCTTCAGTCAGGGTCTGGGG-3'